The following is an entry in ClinVar:

ClinVar aggregate classification (germline): Uncertain significance (1 of 4 stars; one submission).

Submission:

Labcorp Genetics (formerly Invitae), Labcorp
Classification: Uncertain significance. Last evaluated: 2026-01-14. Review status: criteria provided, single submitter. Criteria: Invitae Variant Classification Sherloc (09022015). Collection method: clinical testing. Allele origin: germline.
Comment: This variant, c.2460_2465del, results in the deletion of 2 amino acid(s) of the POLA1 protein (p.Asp820_Glu821del), but otherwise preserves the integrity of the reading frame. This variant is not present in population databases (gnomAD no frequency). This variant has not been reported in the literature in individuals affected with POLA1-related conditions. Experimental studies and prediction algorithms are not available or were not evaluated, and the functional significance of this variant is currently unknown. In summary, the available evidence is currently insufficient to determine the role of this variant in disease. Therefore, it has been classified as a Variant of Uncertain Significance.

NM_001330360.2(POLA1):c.2472TGAAGA[1] (p.824DE[1])

Gene: POLA1 (DNA polymerase alpha 1, catalytic subunit; plus strand). Cytogenetic location: Xp22.11.
Variant type: Microsatellite.
Coding change: c.2472TGAAGA[1] on transcript NM_001330360.2 (MANE Select); one copy of the 6-base unit TGAAGA starting at c.2472; the reference has two copies in a row; one copy, 6 bases deleted.
Protein change: p.824DE[1].
Molecular consequence: inframe deletion. On other transcripts: non-coding transcript variant (2).
Genome position (GRCh38, 1-based): chrX:24,743,241-24,743,246, TGAAGA deleted; deleting any 6 consecutive bases within chrX:24,743,232-24,743,246 gives the same sequence; the position shown is the placement nearest the transcript's 3' end. VCF-style (leftmost placement, unchanged base first): chrX-24743231-GAGATGA-G. GRCh37 (hg19) VCF-style: chrX-24761348-GAGATGA-G.
Other names: c.2397TGAAGA[1], p.799DE[1] (NM_001378303.1); c.2472TGAAGA[1], p.824DE[1] (NM_001440806.1); c.2454TGAAGA[1], p.818DE[1] (NM_016937.4).
Identifiers: ClinVar variation 4735442 (VCV004735442.1).
Genomic context (GRCh38, chrX:24,743,231, plus strand): 5'-AATTTTAAATTAGTTAATTAGTTGCTGGCTGGTGAAGTTATCTTTCCATTTGATATTAGG[GAGATGA>G]AGATGAAGAAATTGATGGAGATACCAATAAATACAAGAAAGGACGTAAGAAAGCAGCTTA-3'